The following is an entry in ClinVar:

ClinVar aggregate classification (germline): Uncertain significance (1 of 4 stars; one submission).

Conditions:
Cardiovascular phenotype. Identifiers: MedGen CN230736.

Submission:

Ambry Genetics
Classification: Uncertain significance for Cardiovascular phenotype. Last evaluated: 2024-07-14. Review status: criteria provided, single submitter. Criteria: Ambry Variant Classification Scheme 2023. Collection method: clinical testing. Allele origin: germline.
Comment: The p.L818V variant (also known as c.2452C>G), located in coding exon 16 of the GAA gene, results from a C to G substitution at nucleotide position 2452. The leucine at codon 818 is replaced by valine, an amino acid with highly similar properties. This amino acid position is conserved. In addition, this alteration is predicted to be tolerated by in silico analysis. Based on the available evidence, the clinical significance of this variant remains unclear.

NM_000152.5(GAA):c.2452C>G (p.Leu818Val)

Gene: GAA (alpha glucosidase; plus strand). Cytogenetic location: 17q25.3.
Variant type: single nucleotide variant.
Coding change: c.2452C>G on transcript NM_000152.5 (MANE Select); coding-DNA position 2452, C replaced by G.
Protein change: p.Leu818Val; replaces leucine 818 with valine.
Molecular consequence: missense variant.
Genome position (GRCh38, 1-based): chr17:80,117,720, C>G. VCF-style: chr17-80117720-C-G. GRCh37 (hg19) VCF-style: chr17-78091519-C-G.
Other names: c.2452C>G, p.Leu818Val (NM_001079803.3, NM_001079804.3, NM_001406741.1 and 1 more transcripts); short protein forms L818V.
Identifiers: ClinVar variation 3518093 (VCV003518093.1).
Genomic context (GRCh38, chr17:80,117,720, plus strand): 5'-ATCCACAGCGAGGGGCAGTGGGTGACGCTGCCGGCCCCCCTGGACACCATCAACGTCCAC[C>G]TCCGGGCTGGGTACATCATCCCCCTGCAGGTACCTGGGCCAGGCGGCTATGGTGGGGGTG-3'
Protein context (NP_000143.2, residues 808-828): PAPLDTINVH[Leu818Val]RAGYIIPLQG